The following is an entry in ClinVar:

ClinVar aggregate classification (germline): Uncertain significance (1 of 4 stars; one submission).

Submission:

Labcorp Genetics (formerly Invitae), Labcorp
Classification: Uncertain significance. Last evaluated: 2024-12-02. Review status: criteria provided, single submitter. Criteria: Invitae Variant Classification Sherloc (09022015). Collection method: clinical testing. Allele origin: germline.
Comment: This sequence change replaces serine, which is neutral and polar, with arginine, which is basic and polar, at codon 1614 of the KAT6A protein (p.Ser1614Arg). This variant is not present in population databases (gnomAD no frequency). This variant has not been reported in the literature in individuals affected with KAT6A-related conditions. Invitae Evidence Modeling of protein sequence and biophysical properties (such as structural, functional, and spatial information, amino acid conservation, physicochemical variation, residue mobility, and thermodynamic stability) indicates that this missense variant is not expected to disrupt KAT6A protein function with a negative predictive value of 95%. In summary, the available evidence is currently insufficient to determine the role of this variant in disease. Therefore, it has been classified as a Variant of Uncertain Significance.

NM_006766.5(KAT6A):c.4842C>A (p.Ser1614Arg)

Gene: KAT6A (lysine acetyltransferase 6A; minus strand). Cytogenetic location: 8p11.21.
Variant type: single nucleotide variant.
Coding change: c.4842C>A on transcript NM_006766.5 (MANE Select); coding-DNA position 4842, C replaced by A.
Protein change: p.Ser1614Arg; replaces serine 1614 with arginine.
Molecular consequence: missense variant.
Genome position (GRCh38, 1-based): chr8:41,933,378, G>T on the plus strand (C>A on the coding strand, the complement: KAT6A is on the minus strand). VCF-style: chr8-41933378-G-T. GRCh37 (hg19) VCF-style: chr8-41790896-G-T.
Other names: short protein forms S1614R.
Identifiers: ClinVar variation 3665384 (VCV003665384.2).